The following is an entry in ClinVar:

NM_001875.5(CPS1):c.4474A>G (p.Arg1492Gly)

Gene: CPS1 (carbamoyl-phosphate synthase 1; plus strand). Cytogenetic location: 2q34.
Variant type: single nucleotide variant.
Coding change: c.4474A>G on transcript NM_001875.5 (MANE Select); coding-DNA position 4474, A replaced by G.
Protein change: p.Arg1492Gly; replaces arginine 1492 with glycine.
Molecular consequence: missense variant. On other transcripts: non-coding transcript variant (2).
Genome position (GRCh38, 1-based): chr2:210,677,956, A>G. VCF-style: chr2-210677956-A-G. GRCh37 (hg19) VCF-style: chr2-211542680-A-G.
Other names: c.4474A>G, p.Arg1492Gly (NM_001122633.3, NM_001369257.1); c.4507A>G, p.Arg1503Gly (NM_001369256.1); short protein forms R1492G, R1503G.
Identifiers: ClinVar variation 3369416 (VCV003369416.1).

ClinVar aggregate classification (germline): Uncertain significance (1 of 4 stars; one submission).

Submission:

GeneDx
Classification: Uncertain significance. Last evaluated: 2024-02-16. Review status: criteria provided, single submitter. Criteria: GeneDx Variant Classification Process June 2021. Collection method: clinical testing. Allele origin: germline. Affected: yes.
Comment: Not observed at significant frequency in large population cohorts (gnomAD); In silico analysis supports that this missense variant does not alter protein structure/function; Has not been previously published as pathogenic or benign to our knowledge